The following is an entry in ClinVar:

NM_000179.3(MSH6):c.261-19dup

Gene: MSH6 (mutS homolog 6; plus strand). Cytogenetic location: 2p16.3.
Variant type: Duplication.
Coding change: c.261-19dup on transcript NM_000179.3 (MANE Select); 19 bases into the intron before coding-DNA position 261, one base duplicated (T; older notation c.261-19dupT).
Molecular consequence: intron variant.
Genome position (GRCh38, 1-based): chr2:47,790,908, T duplicated. VCF-style (leftmost placement, unchanged base first): chr2-47790907-G-GT. GRCh37 (hg19) VCF-style: chr2-48018046-G-GT.
Other names: c.-476-19dup (NM_001281493.2); c.237+7438dup (NM_001281492.2); c.-642-19dup (NM_001281494.2).
Identifiers: ClinVar variation 1561565 (VCV001561565.9), dbSNP rs2104097265, ClinGen allele CA2573134890.

ClinVar aggregate classification (germline): Likely benign. Review status: criteria provided, multiple submitters, no conflicts (2 of 4 stars). 2 submissions from 2 submitters: Likely benign (2). Last evaluated 2024-12-17.

Conditions:
Hereditary nonpolyposis colorectal neoplasms. Identifiers: MedGen C0009405, MeSH D003123.
Lynch syndrome 5 (LYNCH5). Also called: Hereditary non-polyposis colorectal cancer, type 5; Colorectal cancer, hereditary nonpolyposis, type 5. Identifiers: Orphanet 144, MedGen C1833477, MONDO:0013710, OMIM 614350. Disease mechanism: loss of function.

Submissions (2):

Myriad Genetics, Inc.
Classification: Likely benign for Lynch syndrome 5. Last evaluated: 2024-12-17. Review status: criteria provided, single submitter. Criteria: Myriad Autosomal Dominant, Autosomal Recessive and X-Linked Classification Criteria (2023). Collection method: clinical testing. Allele origin: unknown.
Comment: This variant is considered likely benign. This variant is intronic and is not expected to impact mRNA splicing.

Labcorp Genetics (formerly Invitae), Labcorp
Classification: Likely benign for Hereditary nonpolyposis colorectal neoplasms. Last evaluated: 2023-10-05. Review status: criteria provided, single submitter. Criteria: Invitae Variant Classification Sherloc (09022015). Collection method: clinical testing. Allele origin: germline.